The following is an entry in ClinVar:

NM_000937.5(POLR2A):c.2721T>G (p.Ala907=)

Genes: POLR2A (RNA polymerase II subunit A; plus strand), LOC126862481 (BRD4-independent group 4 enhancer GRCh37_chr17:7405086-7406285; plus strand). Cytogenetic location: 17p13.1.
Variant type: single nucleotide variant.
Coding change: c.2721T>G on transcript NM_000937.5 (MANE Select); coding-DNA position 2721, T replaced by G.
Protein change: p.Ala907=; no amino-acid change (alanine 907 retained).
Molecular consequence: synonymous variant.
Genome position (GRCh38, 1-based): chr17:7,502,666, T>G. VCF-style: chr17-7502666-T-G. GRCh37 (hg19) VCF-style: chr17-7405985-T-G.
Identifiers: ClinVar variation 5040320 (VCV005040320.1).

ClinVar aggregate classification (germline): Likely benign (1 of 4 stars; one submission).

Submission:

CeGaT Center for Human Genetics Tuebingen
Classification: Likely benign. Last evaluated: 2026-07-01. Review status: criteria provided, single submitter. Criteria: CeGaT Center For Human Genetics Tuebingen Variant Classification Criteria Version 2. Collection method: clinical testing. Allele origin: germline. Affected: yes. Observed: 1 variant allele.
Comment: POLR2A: BP4, BP7